The following is an entry in ClinVar:

NC_000002.11:g.(?_26477123)_(26486367_?)del

Gene: HADHB (hydroxyacyl-CoA dehydrogenase trifunctional multienzyme complex subunit beta; plus strand). Cytogenetic location: 2p23.3.
Variant type: Deletion.
Identifiers: ClinVar variation 3247336 (VCV003247336.1).

ClinVar aggregate classification (germline): Pathogenic (1 of 4 stars; one submission).

Conditions:
Mitochondrial trifunctional protein deficiency. Identifiers: Orphanet 746, MedGen C1969443, MONDO:0012172.

Submission:

Labcorp Genetics (formerly Invitae), Labcorp
Classification: Pathogenic for Mitochondrial trifunctional protein deficiency. Last evaluated: 2023-11-17. Review status: criteria provided, single submitter. Criteria: Invitae Variant Classification Sherloc (09022015). Collection method: clinical testing. Allele origin: unknown.
Comment: This variant is a gross deletion of the genomic region encompassing exon(s) 2-4 of the HADHB gene, which includes the initiator codon. This deletion extends beyond the assayed region for this gene and therefore may encompass additional genes. It is expected to result in an absent or disrupted protein product. Loss-of-function variants in HADHB are known to be pathogenic (PMID: 9259266, 12754706). This variant has not been reported in the literature in individuals affected with HADHB-related conditions. For these reasons, this variant has been classified as Pathogenic.

Literature cited by the submitters: PubMed 9259266; PubMed 12754706.